The following is an entry in ClinVar:

NM_007078.3(LDB3):c.1020T>C (p.Ala340=)

Gene: LDB3 (LIM domain binding 3; plus strand). Cytogenetic location: 10q23.2.
Variant type: single nucleotide variant.
Coding change: c.1020T>C on transcript NM_007078.3 (MANE Select); coding-DNA position 1020, T replaced by C.
Protein change: p.Ala340=; no amino-acid change (alanine 340 retained).
Molecular consequence: synonymous variant. On other transcripts: intron variant (4).
Genome position (GRCh38, 1-based): chr10:86,706,654, T>C. VCF-style: chr10-86706654-T-C. GRCh37 (hg19) VCF-style: chr10-88466411-T-C.
Other names: c.879T>C, p.Ala293= (NM_001368066.1); c.897-3251T>C (NM_001368064.1, NM_001368065.1); c.1101-3251T>C (NM_001171610.2); c.756-3251T>C (NM_001080114.2).
Identifiers: ClinVar variation 4726640 (VCV004726640.1).

ClinVar aggregate classification (germline): Uncertain significance (1 of 4 stars; one submission).

Conditions:
Myofibrillar myopathy 4. Also called: Zaspopathy (type). Identifiers: Orphanet 98912, MedGen C4721886, MONDO:0012277, OMIM 609452.

Submission:

Labcorp Genetics (formerly Invitae), Labcorp
Classification: Uncertain significance for Myofibrillar myopathy 4. Last evaluated: 2025-09-04. Review status: criteria provided, single submitter. Criteria: Invitae Variant Classification Sherloc (09022015). Collection method: clinical testing. Allele origin: germline.
Comment: The LDB3 gene has multiple clinically relevant transcripts. This variant occurs in alternate transcript NM_00708.3, and corresponds to NM_001080116.1:c.*7280T>C in the primary transcript. This sequence change affects codon 340 of the LDB3 mRNA. It is a 'silent' change, meaning that it does not change the encoded amino acid sequence of the LDB3 protein. This variant is not present in population databases (gnomAD no frequency). This variant has not been reported in the literature in individuals affected with LDB3-related conditions. Experimental studies and prediction algorithms are not available or were not evaluated, and the effect of this variant on mRNA splicing is currently unknown. In summary, the available evidence is currently insufficient to determine the role of this variant in disease. Therefore, it has been classified as a Variant of Uncertain Significance.